The following is an entry in ClinVar:

NM_002528.7(NTHL1):c.869_877del (p.His290_Cys292del)

Gene: NTHL1 (nth like DNA glycosylase 1; minus strand). Cytogenetic location: 16p13.3.
Variant type: Deletion.
Coding change: c.869_877del on transcript NM_002528.7 (MANE Select); coding-DNA positions 869 to 877, 9 bases deleted (ACGCCTGCC; older notation c.869_877delACGCCTGCC).
Protein change: p.His290_Cys292del.
Molecular consequence: inframe deletion.
Genome position (GRCh38, 1-based): chr16:2,039,962-2,039,970, GGCAGGCGT deleted on the plus strand (ACGCCTGCC on the coding strand, the reverse complement: NTHL1 is on the minus strand); deleting any 9 consecutive bases within chr16:2,039,962-2,039,975 gives the same sequence; the c. name uses the placement nearest the transcript's 3' end. VCF-style (leftmost placement, unchanged base first): chr16-2039961-AGGCAGGCGT-A. GRCh37 (hg19) VCF-style: chr16-2089962-AGGCAGGCGT-A.
Other names: c.698_706del, p.His233_Cys235del (NM_001318193.2); c.539_547del, p.His180_Cys182del (NM_001318194.2).
Identifiers: ClinVar variation 2117791 (VCV002117791.4), dbSNP rs2548311319, ClinGen allele CA2580090497.

ClinVar aggregate classification (germline): Uncertain significance (1 of 4 stars; one submission).

Submission:

Labcorp Genetics (formerly Invitae), Labcorp
Classification: Uncertain significance. Last evaluated: 2024-03-06. Review status: criteria provided, single submitter. Criteria: Invitae Variant Classification Sherloc (09022015). Collection method: clinical testing. Allele origin: germline.
Comment: This variant, c.893_901del, results in the deletion of 3 amino acid(s) of the NTHL1 protein (p.His298_Cys300del), but otherwise preserves the integrity of the reading frame. This variant is not present in population databases (gnomAD no frequency). This variant has not been reported in the literature in individuals affected with NTHL1-related conditions. ClinVar contains an entry for this variant (Variation ID: 2117791). Experimental studies and prediction algorithms are not available or were not evaluated, and the functional significance of this variant is currently unknown. In summary, the available evidence is currently insufficient to determine the role of this variant in disease. Therefore, it has been classified as a Variant of Uncertain Significance.